The following is an entry in ClinVar:

NM_000426.4(LAMA2):c.5404C>T (p.Arg1802Cys)

Gene: LAMA2 (laminin subunit alpha 2; plus strand). Cytogenetic location: 6q22.33.
Variant type: single nucleotide variant.
Coding change: c.5404C>T on transcript NM_000426.4 (MANE Select); coding-DNA position 5404, C replaced by T.
Protein change: p.Arg1802Cys; replaces arginine 1802 with cysteine.
Molecular consequence: missense variant.
Genome position (GRCh38, 1-based): chr6:129,393,214, C>T. VCF-style: chr6-129393214-C-T. GRCh37 (hg19) VCF-style: chr6-129714359-C-T.
Other names: c.5404C>T, p.Arg1802Cys (NM_001079823.2); short protein forms R1802C.
Identifiers: ClinVar variation 1310657 (VCV001310657.3), dbSNP rs761866721, ClinGen allele CA3993863.
Genomic context (GRCh38, chr6:129,393,214, plus strand): 5'-AAAGTTGATGATGCTTGGGACCTTTTGAGAGAAGCCACAGATAAAATCAGAGAAGCTAAT[C>T]GCCTATTTGCAGTAAATCAGAAAAACATGACTGCATTGGAGGTGAGTCTTAGGGGCACTT-3'
Protein context (NP_000417.3, residues 1792-1812): EATDKIREAN[Arg1802Cys]LFAVNQKNMT

ClinVar aggregate classification (germline): Uncertain significance. Review status: criteria provided, multiple submitters, no conflicts (2 of 4 stars). 2 submissions from 2 submitters: Uncertain significance (2). Last evaluated 2022-08-12.

Conditions:
LAMA2-related muscular dystrophy (LAMA2-RD). Also called: Laminin alpha 2-related dystrophy. Identifiers: MedGen C5679788, MONDO:0100228.

Allele frequency attached by ClinVar (database versions not stated): gnomAD 0.00001; TOPMed 0.00001; ExAC 0.00002; gnomAD exomes 0.00002.
gnomAD v4.1: 22 of 1,613,898 alleles (0.0014%); highest among the groups gnomAD compares: South Asian, 0.013%; no homozygotes.

Submissions (2):

Labcorp Genetics (formerly Invitae), Labcorp
Classification: Uncertain significance for LAMA2-related muscular dystrophy. Last evaluated: 2022-08-12. Review status: criteria provided, single submitter. Criteria: Invitae Variant Classification Sherloc (09022015). Collection method: clinical testing. Allele origin: germline.
Comment: This sequence change replaces arginine, which is basic and polar, with cysteine, which is neutral and slightly polar, at codon 1802 of the LAMA2 protein (p.Arg1802Cys). This variant is present in population databases (rs761866721, gnomAD 0.01%). This variant has not been reported in the literature in individuals affected with LAMA2-related conditions. ClinVar contains an entry for this variant (Variation ID: 1310657). Advanced modeling of protein sequence and biophysical properties (such as structural, functional, and spatial information, amino acid conservation, physicochemical variation, residue mobility, and thermodynamic stability) performed at Invitae indicates that this missense variant is not expected to disrupt LAMA2 protein function. In summary, the available evidence is currently insufficient to determine the role of this variant in disease. Therefore, it has been classified as a Variant of Uncertain Significance.

GeneDx
Classification: Uncertain significance. Last evaluated: 2019-12-03. Review status: criteria provided, single submitter. Criteria: GeneDx Variant Classification Process June 2021. Collection method: clinical testing. Allele origin: germline. Affected: yes.
Comment: In silico analysis, which includes protein predictors and evolutionary conservation, supports a deleterious effect; Has not been previously published as pathogenic or benign to our knowledge